The following is an entry in ClinVar:

ClinVar aggregate classification (germline): Uncertain significance (1 of 4 stars; one submission).

Submission:

Labcorp Genetics (formerly Invitae), Labcorp
Classification: Uncertain significance. Last evaluated: 2024-05-29. Review status: criteria provided, single submitter. Criteria: Invitae Variant Classification Sherloc (09022015). Collection method: clinical testing. Allele origin: germline.
Comment: This sequence change replaces aspartic acid, which is acidic and polar, with glutamic acid, which is acidic and polar, at codon 146 of the AP3D1 protein (p.Asp146Glu). This variant is not present in population databases (gnomAD no frequency). This variant has not been reported in the literature in individuals affected with AP3D1-related conditions. An algorithm developed to predict the effect of missense changes on protein structure and function (PolyPhen-2) suggests that this variant is likely to be disruptive. In summary, the available evidence is currently insufficient to determine the role of this variant in disease. Therefore, it has been classified as a Variant of Uncertain Significance.

NM_001261826.3(AP3D1):c.438C>G (p.Asp146Glu)

Gene: AP3D1 (adaptor related protein complex 3 subunit delta 1; minus strand). Cytogenetic location: 19p13.3.
Variant type: single nucleotide variant.
Coding change: c.438C>G on transcript NM_001261826.3 (MANE Select); coding-DNA position 438, C replaced by G.
Protein change: p.Asp146Glu; replaces aspartic acid 146 with glutamic acid.
Molecular consequence: missense variant.
Genome position (GRCh38, 1-based): chr19:2,132,495, G>C on the plus strand (C>G on the coding strand, the complement: AP3D1 is on the minus strand). VCF-style: chr19-2132495-G-C. GRCh37 (hg19) VCF-style: chr19-2132494-G-C.
Other names: c.438C>G, p.Asp146Glu (NM_001374799.1, NM_003938.8); short protein forms D146E.
Identifiers: ClinVar variation 3654495 (VCV003654495.2).